The following is an entry in ClinVar:

ClinVar aggregate classification (germline): Uncertain significance (1 of 4 stars; one submission).

Allele frequency attached by ClinVar (database versions not stated): gnomAD exomes 0.00001.
gnomAD v4.1: 7 of 1,612,522 alleles (0.00043%); highest among the groups gnomAD compares: South Asian, 0.0033%; no homozygotes.

Submission:

Labcorp Genetics (formerly Invitae), Labcorp
Classification: Uncertain significance. Last evaluated: 2022-01-15. Review status: criteria provided, single submitter. Criteria: Invitae Variant Classification Sherloc (09022015). Collection method: clinical testing. Allele origin: germline.
Comment: In summary, the available evidence is currently insufficient to determine the role of this variant in disease. Therefore, it has been classified as a Variant of Uncertain Significance. Algorithms developed to predict the effect of missense changes on protein structure and function are either unavailable or do not agree on the potential impact of this missense change (SIFT: "Deleterious"; PolyPhen-2: "Possibly Damaging"; Align-GVGD: "Class C0"). This variant has not been reported in the literature in individuals affected with SKIV2L-related conditions. This variant is present in population databases (rs778513862, gnomAD 0.003%). This sequence change replaces arginine, which is basic and polar, with histidine, which is basic and polar, at codon 612 of the SKIV2L protein (p.Arg612His).

NM_006929.5(SKIC2):c.1835G>A (p.Arg612His)

Gene: SKIC2 (SKI2 subunit of superkiller complex; plus strand). Cytogenetic location: 6p21.33.
Variant type: single nucleotide variant.
Coding change: c.1835G>A on transcript NM_006929.5 (MANE Select); coding-DNA position 1835, G replaced by A.
Protein change: p.Arg612His; replaces arginine 612 with histidine.
Molecular consequence: missense variant.
Genome position (GRCh38, 1-based): chr6:31,964,100, G>A. VCF-style: chr6-31964100-G-A. GRCh37 (hg19) VCF-style: chr6-31931877-G-A.
Other names: short protein forms R612H.
Identifiers: ClinVar variation 2083250 (VCV002083250.4), dbSNP rs778513862, ClinGen allele CA136909385.